The following is an entry in ClinVar:

NM_017612.5(ZCCHC8):c.550G>A (p.Gly184Arg)

Gene: ZCCHC8 (zinc finger CCHC-type containing 8; minus strand). Cytogenetic location: 12q24.31.
Variant type: single nucleotide variant.
Coding change: c.550G>A on transcript NM_017612.5 (MANE Select); coding-DNA position 550, G replaced by A.
Protein change: p.Gly184Arg; replaces glycine 184 with arginine.
Molecular consequence: missense variant. On other transcripts: intron variant (3).
Genome position (GRCh38, 1-based): chr12:122,483,515, C>T on the plus strand (G>A on the coding strand, the complement: ZCCHC8 is on the minus strand). VCF-style: chr12-122483515-C-T. GRCh37 (hg19) VCF-style: chr12-122968062-C-T.
Other names: c.253G>A, p.Gly85Arg (NM_001350936.2); c.-43-820G>A (NM_001350938.2, NM_001350937.2); c.502-1428G>A (NM_001350935.2); short protein forms G184R, G85R.
Identifiers: ClinVar variation 1675154 (VCV001675154.2), dbSNP rs2137340087, ClinGen allele CA482208667.
Genomic context (GRCh38, chr12:122,483,515, plus strand): 5'-GATACTTGGGTATTTCCCATCCTTCGGAAAGCTGAGGGTTTTCATTTAGAAGCGGTTGCC[C>T]CAATTTATCAAGGCAAAAATTAGTAAAATACAGGACACTTCCTACAACCTGCAGAAAACA-3'
Protein context (NP_060082.2, residues 174-194): YFTNFCLDKL[Gly184Arg]QPLLNENPQL

ClinVar aggregate classification (germline): Uncertain significance (1 of 4 stars; one submission).

Conditions:
Pulmonary fibrosis and/or bone marrow failure, telomere-related, 5. Identifiers: MedGen C5231457, MONDO:0032865, OMIM 618674.

Submission:

Center for Genomics, Ann and Robert H. Lurie Children's Hospital of Chicago
Classification: Uncertain significance for Pulmonary fibrosis and/or bone marrow failure, telomere-related, 5. Last evaluated: 2021-12-22. Review status: criteria provided, single submitter. Criteria: ACMG Guidelines, 2015. Collection method: clinical testing. Allele origin: germline.
Comment: ZCCHC8 NM_017612.4 exon 6 p.Gly184Arg (c.550G>A): This variant has not been reported in the literature and is not present in large control databases. Evolutionary conservation for this variant is limited or unavailable; computational predictive tools suggest that this variant may impact the protein. In summary, data on this variant is insufficient for disease classification. Therefore, the clinical significance of this variant is uncertain.